The following is an entry in ClinVar:

ClinVar aggregate classification (germline): Pathogenic (1 of 4 stars; one submission).

Conditions:
Galactosylceramide beta-galactosidase deficiency. Also called: GALACTOCEREBROSIDASE DEFICIENCY; GALC DEFICIENCY; GLOBOID CELL LEUKOENCEPHALOPATHY; Leukodystrophy, Globoid Cell; Krabbe Disease. Identifiers: Orphanet 487, MedGen C0023521, MONDO:0009499, OMIM 245200.

Submission:

Labcorp Genetics (formerly Invitae), Labcorp
Classification: Pathogenic for Galactosylceramide beta-galactosidase deficiency. Last evaluated: 2023-10-18. Review status: criteria provided, single submitter. Criteria: Invitae Variant Classification Sherloc (09022015). Collection method: clinical testing. Allele origin: germline.
Comment: This sequence change creates a premature translational stop signal (p.Ala137Leufs*34) in the GALC gene. It is expected to result in an absent or disrupted protein product. Loss-of-function variants in GALC are known to be pathogenic (PMID: 7437911, 9272171, 16607461). This variant is not present in population databases (gnomAD no frequency). This premature translational stop signal has been observed in individual(s) with Krabbe disease (PMID: 20886637). For these reasons, this variant has been classified as Pathogenic.

Literature cited by the submitters: PubMed 7437911; PubMed 9272171; PubMed 16607461; PubMed 20886637.

NM_000153.4(GALC):c.408del (p.Ala137fs)

Gene: GALC (galactosylceramidase; minus strand). Cytogenetic location: 14q31.3.
Variant type: Deletion.
Coding change: c.408del on transcript NM_000153.4 (MANE Select); coding-DNA position 408, one base deleted (A; older notation c.408delA).
Protein change: p.Ala137fs; shifts the reading frame from alanine 137.
Molecular consequence: frameshift variant. On other transcripts: 5 prime UTR variant (2), non-coding transcript variant (1).
Genome position (GRCh38, 1-based): chr14:87,986,523, T deleted on the plus strand (A on the coding strand, the reverse complement: GALC is on the minus strand); the first of 2 consecutive T bases (chr14:87,986,523-87,986,524); deleting either gives the same sequence. VCF-style (leftmost placement, unchanged base first): chr14-87986522-CT-C. GRCh37 (hg19) VCF-style: chr14-88452866-CT-C.
Other names: c.339del, p.Ala114fs (NM_001201401.2); c.330del, p.Ala111fs (NM_001201402.2); c.240del, p.Ala81fs (NM_001424071.1, NM_001424072.1, NM_001424073.1); c.60del, p.Ala21fs (NM_001424074.1, NM_001424075.1); c.-260del (NM_001424076.1, NM_001424077.1); short protein forms A137fs, A21fs, A114fs, A111fs, A81fs.
Identifiers: ClinVar variation 2736145 (VCV002736145.3), dbSNP rs2503518878, ClinGen allele CA2695219700.